The following is an entry in ClinVar:

ClinVar aggregate classification (germline): Uncertain significance (1 of 4 stars; one submission).

Allele frequency attached by ClinVar (database versions not stated): TOPMed below 0.00001.

Submission:

Labcorp Genetics (formerly Invitae), Labcorp
Classification: Uncertain significance. Last evaluated: 2023-07-07. Review status: criteria provided, single submitter. Criteria: Invitae Variant Classification Sherloc (09022015). Collection method: clinical testing. Allele origin: germline.
Comment: In summary, the available evidence is currently insufficient to determine the role of this variant in disease. Therefore, it has been classified as a Variant of Uncertain Significance. An algorithm developed to predict the effect of missense changes on protein structure and function (PolyPhen-2) suggests that this variant is likely to be tolerated. This variant has not been reported in the literature in individuals affected with ATR-related conditions. This variant is not present in population databases (gnomAD no frequency). This sequence change replaces glycine, which is neutral and non-polar, with arginine, which is basic and polar, at codon 259 of the ATR protein (p.Gly259Arg).

NM_001184.4(ATR):c.775G>A (p.Gly259Arg)

Gene: ATR (ATR checkpoint kinase; minus strand). Cytogenetic location: 3q23.
Variant type: single nucleotide variant.
Coding change: c.775G>A on transcript NM_001184.4 (MANE Select); coding-DNA position 775, G replaced by A.
Protein change: p.Gly259Arg; replaces glycine 259 with arginine.
Molecular consequence: missense variant.
Genome position (GRCh38, 1-based): chr3:142,562,627, C>T on the plus strand (G>A on the coding strand, the complement: ATR is on the minus strand). VCF-style: chr3-142562627-C-T. GRCh37 (hg19) VCF-style: chr3-142281469-C-T.
Other names: c.775G>A, p.Gly259Arg (NM_001354579.2); short protein forms G259R.
Identifiers: ClinVar variation 2712106 (VCV002712106.3), dbSNP rs963017322, ClinGen allele CA84755718.